The following is an entry in ClinVar:

ClinVar aggregate classification (germline): Conflicting classifications of pathogenicity. Review status: criteria provided, conflicting classifications (1 of 4 stars). 4 submissions from 4 submitters: Uncertain significance (1); Benign (1); Likely benign (2). Last evaluated 2026-01-28.

Conditions:
3M syndrome 2. Also called: 3-M Syndrome, OBSL1-Related; THREE M SYNDROME 2. Identifiers: Orphanet 2616, MedGen C2752041, MONDO:0013039, OMIM 612921.

Allele frequency attached by ClinVar (database versions not stated): TOPMed 0.00022; ESP Exome Variant Server 0.00031; 1000 Genomes Project 30x 0.00078; 1000 Genomes Project 0.00080; gnomAD 0.00146 and 0.00154; ExAC 0.00159; gnomAD exomes 0.00175.
gnomAD v4.1: 1,517 of 1,614,010 alleles (0.094%); highest among the groups gnomAD compares: Non-Finnish European, 0.039%; 10 homozygotes.

Submissions (4):

Labcorp Genetics (formerly Invitae), Labcorp
Classification: Benign. Last evaluated: 2026-01-28. Review status: criteria provided, single submitter. Criteria: Invitae Variant Classification Sherloc (09022015). Collection method: clinical testing. Allele origin: germline.

CeGaT Center for Human Genetics Tuebingen
Classification: Likely benign. Last evaluated: 2025-05-01. Review status: criteria provided, single submitter. Criteria: CeGaT Center For Human Genetics Tuebingen Variant Classification Criteria Version 2. Collection method: clinical testing. Allele origin: germline. Affected: yes. Observed: 1 variant allele.
Comment: OBSL1: BP4, BS2

Blueprint Genetics
Classification: Likely benign. Last evaluated: 2024-10-09. Review status: criteria provided, single submitter. Criteria: ACMG Guidelines, 2015. Collection method: clinical testing. Allele origin: germline.

Illumina Laboratory Services, Illumina
Classification: Uncertain significance for 3M syndrome 2. Last evaluated: 2018-01-13. Review status: criteria provided, single submitter. Criteria: ICSL Variant Classification Criteria 13 December 2019. Collection method: clinical testing. Allele origin: germline.

NM_015311.3(OBSL1):c.4202C>T (p.Pro1401Leu)

Gene: OBSL1 (obscurin like cytoskeletal adaptor 1; minus strand). Cytogenetic location: 2q35.
Variant type: single nucleotide variant.
Coding change: c.4202C>T on transcript NM_015311.3 (MANE Select); coding-DNA position 4202, C replaced by T.
Protein change: p.Pro1401Leu; replaces proline 1401 with leucine.
Molecular consequence: missense variant.
Genome position (GRCh38, 1-based): chr2:219,556,588, G>A on the plus strand (C>T on the coding strand, the complement: OBSL1 is on the minus strand). VCF-style: chr2-219556588-G-A. GRCh37 (hg19) VCF-style: chr2-220421310-G-A.
Other names: c.4202C>T, p.Pro1401Leu (NM_001173431.2); short protein forms P1401L.
Identifiers: ClinVar variation 898743 (VCV000898743.23), dbSNP rs202141932, ClinGen allele CA2130630.